The following is an entry in ClinVar:

NC_000017.11:g.(?_31218985)_(31374175_?)del

Genes: EVI2A (ecotropic viral integration site 2A; minus strand), EVI2B (ecotropic viral integration site 2B; minus strand), NF1 (neurofibromin 1; plus strand), OMG (oligodendrocyte myelin glycoprotein; minus strand). Cytogenetic location: 17q11.2.
Variant type: Deletion.
Identifiers: ClinVar variation 832408 (VCV000832408.1).

ClinVar aggregate classification (germline): Pathogenic (1 of 4 stars; one submission).

Conditions:
Neurofibromatosis, type 1 (NF1). Also called: Peripheral type neurofibromatosis; Neurofibromatosis, type I; VON RECKLINGHAUSEN DISEASE; NEUROFIBROMATOSIS, TYPE I, SOMATIC. Identifiers: Orphanet 636, MedGen C0027831, MONDO:0018975, OMIM 162200. Disease mechanism: loss of function.

Submission:

Labcorp Genetics (formerly Invitae), Labcorp
Classification: Pathogenic for Neurofibromatosis, type 1. Last evaluated: 2019-06-17. Review status: criteria provided, single submitter. Criteria: Invitae Variant Classification Sherloc (09022015). Collection method: clinical testing. Allele origin: germline.
Comment: This variant is a gross deletion of the genomic region encompassing exons 14-57 of the NF1 gene. The 5' boundary is likely confined to intron 13. The 3' end of this event is unknown as it extends through the termination codon beyond the assayed region for this gene and may encompass additional genes. While this deletion is not anticipated to result in nonsense mediated decay, it is expected to create a truncated protein product or disrupt mRNA translation. A similar deletion of exons 14-57 has been observed in an individual affected with neurofibromatosis type 1 (PMID: 25631097). This variant is also known as deletion of exons 14-58 in the literature. Sub-genic deletion of exons 36-57 has been determined to be pathogenic (PMID: 10607834, 10980545, 24357598, 12807981, 26178382, Invitae). Therefore, deletions that fully encompass that region are also expected to be pathogenic. For these reasons, this variant has been classified as Pathogenic.

Literature cited by the submitters: PubMed 10980545; PubMed 24357598; PubMed 26178382; PubMed 12807981; PubMed 25631097; PubMed 10607834.